The following is an entry in ClinVar:

ClinVar aggregate classification (germline): Likely benign. Review status: criteria provided, multiple submitters, no conflicts (2 of 4 stars). 2 submissions from 2 submitters: Likely benign (2). Last evaluated 2024-10-11.

Conditions:
ABCB11-related disorder. Also called: ABCB11-related condition.

Allele frequency attached by ClinVar (database versions not stated): gnomAD 0.00002; gnomAD exomes 0.00002; TOPMed 0.00002; ExAC 0.00006.
gnomAD v4.1: 28 of 1,611,400 alleles (0.0017%); highest among the groups gnomAD compares: East Asian, 0.0045%; no homozygotes.

Submissions (2):

PreventionGenetics, part of Exact Sciences
Classification: Likely benign for ABCB11-related condition. Last evaluated: 2024-10-11. Review status: criteria provided, single submitter. Criteria: ACMG Guidelines, 2015. Collection method: clinical testing. Allele origin: germline.
Comment: This variant is classified as likely benign based on ACMG/AMP sequence variant interpretation guidelines (Richards et al. 2015 PMID: 25741868, with internal and published modifications).

Labcorp Genetics (formerly Invitae), Labcorp
Classification: Likely benign. Last evaluated: 2024-02-02. Review status: criteria provided, single submitter. Criteria: Invitae Variant Classification Sherloc (09022015). Collection method: clinical testing. Allele origin: germline.

NM_003742.4(ABCB11):c.678G>A (p.Ser226=)

Gene: ABCB11 (ATP binding cassette subfamily B member 11; minus strand). Cytogenetic location: 2q31.1.
Variant type: single nucleotide variant.
Coding change: c.678G>A on transcript NM_003742.4 (MANE Select); coding-DNA position 678, G replaced by A.
Protein change: p.Ser226=; no amino-acid change (serine 226 retained).
Molecular consequence: synonymous variant.
Genome position (GRCh38, 1-based): chr2:168,993,816, C>T on the plus strand (G>A on the coding strand, the complement: ABCB11 is on the minus strand). VCF-style: chr2-168993816-C-T. GRCh37 (hg19) VCF-style: chr2-169850326-C-T.
Other names: c.678G>A (NM_003742.2).
Identifiers: ClinVar variation 2181747 (VCV002181747.5), dbSNP rs777962265, ClinGen allele CA1951815.
Genomic context (GRCh38, chr2:168,993,816, plus strand): 5'-AATAATAACCAAGGTCAGTTTCCAACCCCTGAAAAATCCCAACAGGAAACCACAGATGGT[C>T]GAGGTCATGCGCTGAATGAAAAGGGCCATTTGGTCAGCTATGGCATCATTGATTTTATTA-3'
Protein context (NP_003733.2, residues 216-236): QMALFIQRMT[Ser226=]TICGFLLGFF